The following is an entry in ClinVar:

NM_001042492.3(NF1):c.1345_1346insGA (p.Lys449fs)

Gene: NF1 (neurofibromin 1; plus strand). Cytogenetic location: 17q11.2.
Variant type: Insertion.
Coding change: c.1345_1346insGA on transcript NM_001042492.3 (MANE Select); coding-DNA positions 1345 to 1346, GA inserted.
Protein change: p.Lys449fs; shifts the reading frame from lysine 449.
Molecular consequence: frameshift variant.
Genome position: GRCh38 VCF-style: chr17-31206323-T-TAG. GRCh37 (hg19) VCF-style: chr17-29533341-T-TAG.
Other names: c.1345_1346insGA, p.Lys449fs (NM_001128147.3); c.1345_1346insGA, p.Lys449Argfs (NM_000267.4); short protein forms K449fs.
Identifiers: ClinVar variation 1329956 (VCV001329956.2), dbSNP rs2143914781, ClinGen allele CA2573054373.

ClinVar aggregate classification (germline): Pathogenic (1 of 4 stars; one submission).

Conditions:
Neurofibromatosis, type 1 (NF1). Also called: Peripheral type neurofibromatosis; Neurofibromatosis, type I; VON RECKLINGHAUSEN DISEASE; NEUROFIBROMATOSIS, TYPE I, SOMATIC. Identifiers: Orphanet 636, MedGen C0027831, MONDO:0018975, OMIM 162200. Disease mechanism: loss of function.

Submission:

Institute of Human Genetics, University of Leipzig Medical Center
Classification: Pathogenic for Neurofibromatosis, type 1. Last evaluated: 2022-07-18. Review status: criteria provided, single submitter. Criteria: ACMG Guidelines, 2015. Collection method: clinical testing. Allele origin: de novo. Affected: yes.
Comment: This variant was identified as de novo (maternity and paternity confirmed)._x000D_ Criteria applied: PVS1, PS2_MOD, PM2_SUP, PP4